The following is an entry in ClinVar:

NM_006415.4(SPTLC1):c.348G>C (p.Arg116Ser)

Gene: SPTLC1 (serine palmitoyltransferase long chain base subunit 1; minus strand). Cytogenetic location: 9q22.31.
Variant type: single nucleotide variant.
Coding change: c.348G>C on transcript NM_006415.4 (MANE Select); coding-DNA position 348, G replaced by C.
Protein change: p.Arg116Ser; replaces arginine 116 with serine.
Molecular consequence: missense variant. On other transcripts: 5 prime UTR variant (2).
Genome position (GRCh38, 1-based): chr9:92,080,876, C>G on the plus strand (G>C on the coding strand, the complement: SPTLC1 is on the minus strand). VCF-style: chr9-92080876-C-G. GRCh37 (hg19) VCF-style: chr9-94843158-C-G.
Other names: c.348G>C, p.Arg116Ser (NM_001281303.2, NM_178324.3); c.-152G>C (NM_001368272.1); c.-118G>C (NM_001368273.1); short protein forms R116S.
Identifiers: ClinVar variation 3616726 (VCV003616726.2).
Genomic context (GRCh38, chr9:92,080,876, plus strand): 5'-AGTTTCTTAAATCAGTAATGTTATCTGTCCACTTCAGCAATATGTGCTACTCACCTTAAC[C>G]CTAGGGTTATCCAACAATCCAAGAAAATTAAATGAGGCGAAGTTTATACATTCTTTTCCA-3'
Protein context (NP_006406.1, residues 106-126): FNFLGLLDNP[Arg116Ser]VKAAALASLK

ClinVar aggregate classification (germline): Uncertain significance (1 of 4 stars; one submission).

Conditions:
Hereditary sensory and autonomic neuropathy type 1 (HSAN1). Also called: HSAN 1; HSN Type I; Hereditary Sensory Neuropathy Type I. Identifiers: Orphanet 36386, MedGen C0020071, MONDO:0018213.

gnomAD v4.1: 2 of 1,611,634 alleles (0.00012%); highest among the groups gnomAD compares: Non-Finnish European, 0.00017%; no homozygotes.

Submission:

Labcorp Genetics (formerly Invitae), Labcorp
Classification: Uncertain significance for Hereditary sensory and autonomic neuropathy type 1. Last evaluated: 2024-06-11. Review status: criteria provided, single submitter. Criteria: Invitae Variant Classification Sherloc (09022015). Collection method: clinical testing. Allele origin: germline.
Comment: This sequence change replaces arginine, which is basic and polar, with serine, which is neutral and polar, at codon 116 of the SPTLC1 protein (p.Arg116Ser). This variant is not present in population databases (gnomAD no frequency). This variant has not been reported in the literature in individuals affected with SPTLC1-related conditions. Advanced modeling of protein sequence and biophysical properties (such as structural, functional, and spatial information, amino acid conservation, physicochemical variation, residue mobility, and thermodynamic stability) performed at Invitae indicates that this missense variant is not expected to disrupt SPTLC1 protein function with a negative predictive value of 80%. In summary, the available evidence is currently insufficient to determine the role of this variant in disease. Therefore, it has been classified as a Variant of Uncertain Significance.